The following is an entry in ClinVar:

NM_003922.4(HERC1):c.9900T>A (p.Asn3300Lys)

Gene: HERC1 (HECT and RLD domain containing E3 ubiquitin protein ligase family member 1; minus strand). Cytogenetic location: 15q22.31.
Variant type: single nucleotide variant.
Coding change: c.9900T>A on transcript NM_003922.4 (MANE Select); coding-DNA position 9900, T replaced by A.
Protein change: p.Asn3300Lys; replaces asparagine 3300 with lysine.
Molecular consequence: missense variant.
Genome position (GRCh38, 1-based): chr15:63,655,926, A>T on the plus strand (T>A on the coding strand, the complement: HERC1 is on the minus strand). VCF-style: chr15-63655926-A-T. GRCh37 (hg19) VCF-style: chr15-63948125-A-T.
Other names: short protein forms N3300K.
Identifiers: ClinVar variation 1028684 (VCV001028684.5), dbSNP rs781291104, ClinGen allele CA7604594.

ClinVar aggregate classification (germline): Uncertain significance. Review status: criteria provided, multiple submitters, no conflicts (2 of 4 stars). 3 submissions from 3 submitters: Uncertain significance (3). Last evaluated 2024-12-31.

Conditions:
Macrocephaly, dysmorphic facies, and psychomotor retardation (MDFPMR). Identifiers: Orphanet 457359, MedGen C4310766, MONDO:0014863, OMIM 617011.
Inborn genetic diseases. Identifiers: MedGen C0950123, MeSH D030342.

Allele frequency attached by ClinVar (database versions not stated): ExAC 0.00001; gnomAD 0.00001; gnomAD exomes 0.00001; TOPMed 0.00002.
gnomAD v4.1: 17 of 1,612,908 alleles (0.0011%); highest among the groups gnomAD compares: Non-Finnish European, 0.0014%; no homozygotes.

Submissions (3):

Ambry Genetics
Classification: Uncertain significance for Inborn genetic diseases. Last evaluated: 2024-12-31. Review status: criteria provided, single submitter. Criteria: Ambry Variant Classification Scheme 2023. Collection method: clinical testing. Allele origin: germline.

Revvity Omics, Revvity
Classification: Uncertain significance for Macrocephaly, dysmorphic facies, and psychomotor retardation. Last evaluated: 2021-11-22. Review status: criteria provided, single submitter. Criteria: ACMG Guidelines, 2015. Collection method: clinical testing. Allele origin: germline.

Baylor Genetics
Classification: Uncertain significance for Macrocephaly, dysmorphic facies, and psychomotor retardation. Last evaluated: 2019-01-15. Review status: criteria provided, single submitter. Criteria: ACMG Guidelines, 2015. Collection method: clinical testing. Allele origin: unknown. Affected: yes.
Comment: This variant was determined to be of uncertain significance according to ACMG Guidelines, 2015 [PMID:25741868].